The following is an entry in ClinVar:

ClinVar aggregate classification (germline): Uncertain significance (1 of 4 stars; one submission).

Conditions:
Hereditary cancer-predisposing syndrome. Also called: Hereditary Cancer Syndrome; Hereditary neoplastic syndrome; Neoplastic Syndromes, Hereditary; Tumor predisposition. Identifiers: Orphanet 140162, MedGen C0027672, MeSH D009386, MONDO:0015356.

Submission:

Ambry Genetics
Classification: Uncertain significance for Hereditary cancer-predisposing syndrome. Last evaluated: 2021-11-18. Review status: criteria provided, single submitter. Criteria: Ambry Variant Classification Scheme 2023. Collection method: clinical testing. Allele origin: germline.
Comment: The p.P47S variant (also known as c.139C>T), located in coding exon 1 of the SMARCA4 gene, results from a C to T substitution at nucleotide position 139. The proline at codon 47 is replaced by serine, an amino acid with similar properties. This amino acid position is highly conserved in available vertebrate species. In addition, the in silico prediction for this alteration is inconclusive. Missense and in-frame variants in SMARCA4 are known to cause neurodevelopmental disorders; however, such associations with rhabdoid tumor predisposition syndrome including small cell carcinoma of the ovary-hypercalcemic type (SCCOHT) are exceedingly rare (Kosho T et al. Am J Med Genet C Semin Med Genet. 2014 Sep;166C(3):262-75; Jelinic P et al. Nat Genet. 2014 May;46(5):424-6). Based on the supporting evidence, the association of this alteration with Coffin-Siris syndrome is unknown; however, the association of this alteration with rhabdoid tumor predisposition syndrome is unlikely.

NM_003072.5(SMARCA4):c.139C>T (p.Pro47Ser)

Gene: SMARCA4 (SWI/SNF related BAF chromatin remodeling complex subunit ATPase 4; plus strand). Cytogenetic location: 19p13.2.
Variant type: single nucleotide variant.
Coding change: c.139C>T on transcript NM_003072.5 (MANE Select); coding-DNA position 139, C replaced by T.
Protein change: p.Pro47Ser; replaces proline 47 with serine.
Molecular consequence: missense variant. On other transcripts: non-coding transcript variant (1).
Genome position (GRCh38, 1-based): chr19:10,984,290, C>T. VCF-style: chr19-10984290-C-T. GRCh37 (hg19) VCF-style: chr19-11094966-C-T.
Other names: c.139C>T, p.Pro47Ser (NM_001128844.3, NM_001128845.2, NM_001128846.2 and 6 more transcripts); short protein forms P47S.
Identifiers: ClinVar variation 1771733 (VCV001771733.2), dbSNP rs2145724442, ClinGen allele CA404054433.
Genomic context (GRCh38, chr19:10,984,290, plus strand): 5'-ATGCTGGGCCCTAGCCCGGGTCCCTCGCCGGGCTCCGCCCACAGCATGATGGGGCCCAGC[C>T]CAGGGCCGCCCTCAGCAGGACACCCCATCCCCACCCAGGGGCCTGGAGGGTACCCTCAGG-3'
Protein context (NP_003063.2, residues 37-57): GSAHSMMGPS[Pro47Ser]GPPSAGHPIP